The following is an entry in ClinVar:

NM_003322.6(TULP1):c.822+3T>C

Gene: TULP1 (TUB like protein 1; minus strand). Cytogenetic location: 6p21.31.
Variant type: single nucleotide variant.
Coding change: c.822+3T>C on transcript NM_003322.6 (MANE Select); 3 bases into the intron after coding-DNA position 822, T replaced by C.
Molecular consequence: intron variant.
Genome position (GRCh38, 1-based): chr6:35,509,206, A>G on the plus strand (T>C on the coding strand, the complement: TULP1 is on the minus strand). VCF-style: chr6-35509206-A-G. GRCh37 (hg19) VCF-style: chr6-35476983-A-G.
Other names: c.663+3T>C (NM_001289395.2).
Identifiers: ClinVar variation 849067 (VCV000849067.7), dbSNP rs754303283, ClinGen allele CA3772801.

ClinVar aggregate classification (germline): Uncertain significance (1 of 4 stars; one submission).

Allele frequency attached by ClinVar (database versions not stated): gnomAD exomes 0.00001 and 0.00002; TOPMed 0.00001; ExAC 0.00002; gnomAD 0.00003.
gnomAD v4.1: 37 of 1,613,428 alleles (0.0023%); highest among the groups gnomAD compares: Non-Finnish European, 0.0031%; no homozygotes.

Submission:

Labcorp Genetics (formerly Invitae), Labcorp
Classification: Uncertain significance. Last evaluated: 2021-08-31. Review status: criteria provided, single submitter. Criteria: Invitae Variant Classification Sherloc (09022015). Collection method: clinical testing. Allele origin: germline.
Comment: This sequence change falls in intron 8 of the TULP1 gene. It does not directly change the encoded amino acid sequence of the TULP1 protein. It affects a nucleotide within the consensus splice site of the intron. This variant is present in population databases (rs754303283, ExAC 0.004%). This variant has not been reported in the literature in individuals affected with TULP1-related conditions. Variants that disrupt the consensus splice site are a relatively common cause of aberrant splicing (PMID: 17576681, 9536098). Algorithms developed to predict the effect of sequence changes on RNA splicing suggest that this variant may disrupt the consensus splice site. In summary, the available evidence is currently insufficient to determine the role of this variant in disease. Therefore, it has been classified as a Variant of Uncertain Significance.

Literature cited by the submitters: PubMed 17576681; PubMed 9536098.